The following is an entry in ClinVar:

ClinVar aggregate classification (germline): Uncertain significance. Review status: criteria provided, multiple submitters, no conflicts (2 of 4 stars). 3 submissions from 3 submitters: Uncertain significance (3). Last evaluated 2024-01-19.

Conditions:
Retinal dystrophy. Also called: Inherited retinal dystrophy. Identifiers: Orphanet 71862, MedGen C0854723, MeSH D058499, MONDO:0019118, HP:0000556.
Inborn genetic diseases. Identifiers: MedGen C0950123, MeSH D030342.
Retinitis pigmentosa 71 (RP71). Identifiers: Orphanet 791, MedGen C4225342, MONDO:0014618, OMIM 616394.
Short-rib thoracic dysplasia 10 with or without polydactyly (SRTD10). Identifiers: Orphanet 474, MedGen C3810175, MONDO:0014284, OMIM 615630.

Allele frequency attached by ClinVar (database versions not stated): gnomAD exomes 0.00001; ExAC 0.00002; TOPMed 0.00002; gnomAD 0.00003.
gnomAD v4.1: 25 of 1,613,764 alleles (0.0015%); highest among the groups gnomAD compares: East Asian, 0.053%; no homozygotes.

Submissions (3):

Ambry Genetics
Classification: Uncertain significance for Inborn genetic diseases. Last evaluated: 2024-01-19. Review status: criteria provided, single submitter. Criteria: Ambry Variant Classification Scheme 2023. Collection method: clinical testing. Allele origin: germline.

Dept Of Ophthalmology, Nagoya University
Classification: Uncertain significance for Retinal dystrophy. Last evaluated: 2023-10-01. Review status: criteria provided, single submitter. Criteria: Submitter's publication. Collection method: research. Allele origin: germline. Affected: yes.

Labcorp Genetics (formerly Invitae), Labcorp
Classification: Uncertain significance for Retinitis pigmentosa 71; Short-rib thoracic dysplasia 10 with or without polydactyly. Last evaluated: 2022-10-04. Review status: criteria provided, single submitter. Criteria: Invitae Variant Classification Sherloc (09022015). Collection method: clinical testing. Allele origin: germline.
Comment: In summary, the available evidence is currently insufficient to determine the role of this variant in disease. Therefore, it has been classified as a Variant of Uncertain Significance. Advanced modeling of protein sequence and biophysical properties (such as structural, functional, and spatial information, amino acid conservation, physicochemical variation, residue mobility, and thermodynamic stability) performed at Invitae indicates that this missense variant is not expected to disrupt IFT172 protein function. This variant has not been reported in the literature in individuals affected with IFT172-related conditions. This variant is present in population databases (rs79517696, gnomAD 0.03%). This sequence change replaces serine, which is neutral and polar, with cysteine, which is neutral and slightly polar, at codon 1502 of the IFT172 protein (p.Ser1502Cys).

NM_015662.3(IFT172):c.4504A>T (p.Ser1502Cys)

Gene: IFT172 (intraflagellar transport 172; minus strand). Cytogenetic location: 2p23.3.
Variant type: single nucleotide variant.
Coding change: c.4504A>T on transcript NM_015662.3 (MANE Select); coding-DNA position 4504, A replaced by T.
Protein change: p.Ser1502Cys; replaces serine 1502 with cysteine.
Molecular consequence: missense variant.
Genome position (GRCh38, 1-based): chr2:27,447,847, T>A on the plus strand (A>T on the coding strand, the complement: IFT172 is on the minus strand). VCF-style: chr2-27447847-T-A. GRCh37 (hg19) VCF-style: chr2-27670714-T-A.
Other names: c.4438A>T, p.Ser1480Cys (NM_001410739.1); c.4504A>T (NM_015662.1); short protein forms S1480C, S1502C.
Identifiers: ClinVar variation 1986820 (VCV001986820.4), dbSNP rs79517696, ClinGen allele CA1579590.